The following is an entry in ClinVar:

ClinVar aggregate classification (germline): Uncertain significance (1 of 4 stars; one submission).

Allele frequency attached by ClinVar (database versions not stated): gnomAD exomes 0.00001 and 0.00004; TOPMed 0.00001.
gnomAD v4.1: 10 of 1,552,062 alleles (0.00064%); highest among the groups gnomAD compares: South Asian, 0.0083%; no homozygotes.

Submission:

Labcorp Genetics (formerly Invitae), Labcorp
Classification: Uncertain significance. Last evaluated: 2022-07-26. Review status: criteria provided, single submitter. Criteria: Invitae Variant Classification Sherloc (09022015). Collection method: clinical testing. Allele origin: germline.
Comment: In summary, the available evidence is currently insufficient to determine the role of this variant in disease. Therefore, it has been classified as a Variant of Uncertain Significance. Algorithms developed to predict the effect of missense changes on protein structure and function (SIFT, PolyPhen-2, Align-GVGD) all suggest that this variant is likely to be tolerated. ClinVar contains an entry for this variant (Variation ID: 1060324). This variant has not been reported in the literature in individuals affected with DTHD1-related conditions. This variant is present in population databases (no rsID available, gnomAD 0.02%). This sequence change replaces glycine, which is neutral and non-polar, with arginine, which is basic and polar, at codon 460 of the DTHD1 protein (p.Gly460Arg).

NM_001170700.3(DTHD1):c.2248G>A (p.Gly750Arg)

Gene: DTHD1 (death domain containing 1; plus strand). Cytogenetic location: 4p14.
Variant type: single nucleotide variant.
Coding change: c.2248G>A on transcript NM_001170700.3 (MANE Select); coding-DNA position 2248, G replaced by A.
Protein change: p.Gly750Arg; replaces glycine 750 with arginine.
Molecular consequence: missense variant. On other transcripts: non-coding transcript variant (2).
Genome position (GRCh38, 1-based): chr4:36,316,394, G>A. VCF-style: chr4-36316394-G-A. GRCh37 (hg19) VCF-style: chr4-36318016-G-A.
Other names: c.1378G>A, p.Gly460Arg (NM_001136536.5); c.1315G>A, p.Gly439Arg (NM_001378435.1); short protein forms G439R, G460R, G750R.
Identifiers: ClinVar variation 1060324 (VCV001060324.9), dbSNP rs1483991186, ClinGen allele CA356681642.